The following is an entry in ClinVar:

NM_001854.4(COL11A1):c.1807G>C (p.Asp603His)

Gene: COL11A1 (collagen type XI alpha 1 chain; minus strand). Cytogenetic location: 1p21.1.
Variant type: single nucleotide variant.
Coding change: c.1807G>C on transcript NM_001854.4 (MANE Select); coding-DNA position 1807, G replaced by C.
Protein change: p.Asp603His; replaces aspartic acid 603 with histidine.
Molecular consequence: missense variant. On other transcripts: non-coding transcript variant (1).
Genome position (GRCh38, 1-based): chr1:103,005,876, C>G on the plus strand (G>C on the coding strand, the complement: COL11A1 is on the minus strand). VCF-style: chr1-103005876-C-G. GRCh37 (hg19) VCF-style: chr1-103471432-C-G.
Other names: c.1690G>C, p.Asp564His (NM_001190709.2); c.1843G>C, p.Asp615His (NM_080629.3); c.1459G>C, p.Asp487His (NM_080630.4); c.1807G>C (NM_001854.3); short protein forms D487H, D564H, D603H, D615H.
Identifiers: ClinVar variation 4697450 (VCV004697450.2).
Genomic context (GRCh38, chr1:103,005,876, plus strand): 5'-AAAAGGAATAGATGTATCTTACCCTGTGACCTTTGTCACCTGGCAGACCCGGAAGTCCAT[C>G]AAACCCTCGATCTCCCTGTAAAACCATCATCATCATCATCATCATCATCATCATCACAAT-3'
Protein context (NP_001845.3, residues 593-613): EPGAKGDRGF[Asp603His]GLPGLPGDKG

ClinVar aggregate classification (germline): Uncertain significance. Review status: criteria provided, multiple submitters, no conflicts (2 of 4 stars). 2 submissions from 2 submitters: Uncertain significance (2). Last evaluated 2025-06-09.

Conditions:
COL11A1-related disorder. Also called: COL11A1-related disorders; COL11A1-related condition.

Submissions (2):

PreventionGenetics, part of Exact Sciences
Classification: Uncertain significance for COL11A1-related condition. Last evaluated: 2025-06-09. Review status: criteria provided, single submitter. Criteria: ACMG Guidelines, 2015. Collection method: clinical testing. Allele origin: germline.
Comment: The COL11A1 c.1807G>C variant is predicted to result in the amino acid substitution p.Asp603His. To our knowledge, this variant has not been reported in the literature or in a large population database (gnomAD), indicating this variant is rare. At this time, the clinical significance of this variant is uncertain due to the absence of conclusive functional and genetic evidence.

Labcorp Genetics (formerly Invitae), Labcorp
Classification: Uncertain significance. Last evaluated: 2025-06-06. Review status: criteria provided, single submitter. Criteria: Invitae Variant Classification Sherloc (09022015). Collection method: clinical testing. Allele origin: germline.
Comment: This sequence change replaces aspartic acid, which is acidic and polar, with histidine, which is basic and polar, at codon 603 of the COL11A1 protein (p.Asp603His). This variant is not present in population databases (gnomAD no frequency). This variant has not been reported in the literature in individuals affected with COL11A1-related conditions. Invitae Evidence Modeling of protein sequence and biophysical properties (such as structural, functional, and spatial information, amino acid conservation, physicochemical variation, residue mobility, and thermodynamic stability) has been performed for this missense variant. However, the output from this modeling did not meet the statistical confidence thresholds required to predict the impact of this variant on COL11A1 protein function. In summary, the available evidence is currently insufficient to determine the role of this variant in disease. Therefore, it has been classified as a Variant of Uncertain Significance.